The following is an entry in ClinVar:

ClinVar aggregate classification (germline): Likely benign (1 of 4 stars; one submission).

Submission:

CeGaT Center for Human Genetics Tuebingen
Classification: Likely benign. Last evaluated: 2026-09-01. Review status: criteria provided, single submitter. Criteria: CeGaT Center For Human Genetics Tuebingen Variant Classification Criteria Version 2. Collection method: clinical testing. Allele origin: germline. Affected: yes. Observed: 1 variant allele.
Comment: SLC36A1: PM2:Supporting, BP4, BP7

NM_078483.4(SLC36A1):c.651G>T (p.Leu217=)

Gene: SLC36A1 (solute carrier family 36 member 1; plus strand). Cytogenetic location: 5q33.1.
Variant type: single nucleotide variant.
Coding change: c.651G>T on transcript NM_078483.4 (MANE Select); coding-DNA position 651, G replaced by T.
Protein change: p.Leu217=; no amino-acid change (leucine 217 retained).
Molecular consequence: synonymous variant.
Genome position (GRCh38, 1-based): chr5:151,467,853, G>T. VCF-style: chr5-151467853-G-T. GRCh37 (hg19) VCF-style: chr5-150847414-G-T.
Other names: c.651G>T, p.Leu217= (NM_001308150.2, NM_001308151.2); c.567G>T, p.Leu189= (NM_001349740.2).
Identifiers: ClinVar variation 5041711 (VCV005041711.1).